The following is an entry in ClinVar:

NM_000341.4(SLC3A1):c.892-9C>T

Gene: SLC3A1 (solute carrier family 3 member 1; plus strand). Cytogenetic location: 2p21.
Variant type: single nucleotide variant.
Coding change: c.892-9C>T on transcript NM_000341.4 (MANE Select); 9 bases into the intron before coding-DNA position 892, C replaced by T.
Molecular consequence: intron variant.
Genome position (GRCh38, 1-based): chr2:44,299,962, C>T. VCF-style: chr2-44299962-C-T. GRCh37 (hg19) VCF-style: chr2-44527101-C-T.
Identifiers: ClinVar variation 746372 (VCV000746372.9), dbSNP rs1335328608, ClinGen allele CA532291132.

ClinVar aggregate classification (germline): Likely benign. Review status: criteria provided, single submitter (1 of 4 stars). 2 submissions from 2 submitters: Likely benign (1). 1 of the submissions does not count toward it. Last evaluated 2023-12-25.

Conditions:
Cystinuria (CSNU). Also called: CYSTINURIA, TYPE I; CYSTINURIA, TYPE II; CYSTINURIA, TYPE III; Cystinuria, non-type I. Identifiers: Orphanet 214, MedGen C0010691, MONDO:0009067, OMIM 220100, HP:0003131.
SLC3A1-related disorder. Also called: SLC3A1-related condition.

Allele frequency attached by ClinVar (database versions not stated): gnomAD 0.00001; gnomAD exomes 0.00001 and 0.00002; TOPMed 0.00001.
gnomAD v4.1: 6 of 1,613,848 alleles (0.00037%); highest among the groups gnomAD compares: Admixed American, 0.0083%; no homozygotes.

Submissions (2):

Labcorp Genetics (formerly Invitae), Labcorp
Classification: Likely benign for Cystinuria. Last evaluated: 2023-12-25. Review status: criteria provided, single submitter. Criteria: Invitae Variant Classification Sherloc (09022015). Collection method: clinical testing. Allele origin: germline.

PreventionGenetics, part of Exact Sciences
Classification: Likely benign for SLC3A1-related condition. Last evaluated: 2019-06-04. Review status: no assertion criteria provided. Collection method: clinical testing. Allele origin: germline. Not counted in ClinVar's aggregate classification.
Comment: This variant is classified as likely benign based on ACMG/AMP sequence variant interpretation guidelines (Richards et al. 2015 PMID: 25741868, with internal and published modifications).